The following is an entry in ClinVar:

NM_004714.3(DYRK1B):c.263T>C (p.Leu88Pro)

Gene: DYRK1B (dual specificity tyrosine phosphorylation regulated kinase 1B; minus strand). Cytogenetic location: 19q13.2.
Variant type: single nucleotide variant.
Coding change: c.263T>C on transcript NM_004714.3 (MANE Select); coding-DNA position 263, T replaced by C.
Protein change: p.Leu88Pro; replaces leucine 88 with proline.
Molecular consequence: missense variant.
Genome position (GRCh38, 1-based): chr19:39,830,484, A>G on the plus strand (T>C on the coding strand, the complement: DYRK1B is on the minus strand). VCF-style: chr19-39830484-A-G. GRCh37 (hg19) VCF-style: chr19-40321124-A-G.
Other names: c.263T>C, p.Leu88Pro (NM_006483.3, NM_006484.3); short protein forms L88P.
Identifiers: ClinVar variation 3032795 (VCV003032795.2), dbSNP rs375205659, ClinGen allele CA9434375.

ClinVar aggregate classification (germline): Uncertain significance (0 of 4 stars; one submission).

Conditions:
DYRK1B-related disorder. Also called: DYRK1B-related condition.

Allele frequency attached by ClinVar (database versions not stated): ExAC 0.00001; gnomAD exomes 0.00001; TOPMed 0.00002; ESP Exome Variant Server 0.00008.

Submission:

PreventionGenetics, part of Exact Sciences
Classification: Uncertain significance for DYRK1B-related condition. Last evaluated: 2024-01-23. Review status: no assertion criteria provided. Collection method: clinical testing. Allele origin: germline.
Comment: The DYRK1B c.263T>C variant is predicted to result in the amino acid substitution p.Leu88Pro. To our knowledge, this variant has not been reported in the literature. This variant is reported in 0.0018% of alleles in individuals of European (Non-Finnish) descent in gnomAD. At this time, the clinical significance of this variant is uncertain due to the absence of conclusive functional and genetic evidence.